The following is an entry in ClinVar:

NM_004972.4(JAK2):c.1828G>C (p.Val610Leu)

Genes: INSL6 (insulin like 6; minus strand), JAK2 (Janus kinase 2; plus strand). Cytogenetic location: 9p24.1.
Variant type: single nucleotide variant.
Coding change: c.1828G>C on transcript NM_004972.4 (MANE Select); coding-DNA position 1828, G replaced by C.
Protein change: p.Val610Leu; replaces valine 610 with leucine.
Molecular consequence: missense variant. On other transcripts: non-coding transcript variant (2).
Genome position (GRCh38, 1-based): chr9:5,073,749, G>C. VCF-style: chr9-5073749-G-C. GRCh37 (hg19) VCF-style: chr9-5073749-G-C.
Other names: c.1828G>C, p.Val610Leu (NM_001322194.2, NM_001322195.2, NM_001322196.2); c.613G>C, p.Val205Leu (NM_001322198.2, NM_001322199.2); c.1381G>C, p.Val461Leu (NM_001322204.2); short protein forms V205L, V461L, V610L.
Identifiers: ClinVar variation 2880719 (VCV002880719.3), dbSNP rs976074606, ClinGen allele CA372826604.

ClinVar aggregate classification (germline): Uncertain significance (1 of 4 stars; one submission).

Allele frequency attached by ClinVar (database versions not stated): gnomAD exomes below 0.00001; gnomAD 0.00001.
gnomAD v4.1: 3 of 1,612,288 alleles (0.00019%); highest among the groups gnomAD compares: Admixed American, 0.0017%; 1 homozygote.

Submission:

Labcorp Genetics (formerly Invitae), Labcorp
Classification: Uncertain significance. Last evaluated: 2023-06-14. Review status: criteria provided, single submitter. Criteria: Invitae Variant Classification Sherloc (09022015). Collection method: clinical testing. Allele origin: germline.
Comment: In summary, the available evidence is currently insufficient to determine the role of this variant in disease. Therefore, it has been classified as a Variant of Uncertain Significance. Advanced modeling of protein sequence and biophysical properties (such as structural, functional, and spatial information, amino acid conservation, physicochemical variation, residue mobility, and thermodynamic stability) performed at Invitae indicates that this missense variant is not expected to disrupt JAK2 protein function. This variant has not been reported in the literature in individuals affected with JAK2-related conditions. This variant is present in population databases (no rsID available, gnomAD 0.01%), including at least one homozygous and/or hemizygous individual. This sequence change replaces valine, which is neutral and non-polar, with leucine, which is neutral and non-polar, at codon 610 of the JAK2 protein (p.Val610Leu).